The following is an entry in ClinVar:

NM_000875.5(IGF1R):c.2403C>T (p.Ile801=)

Gene: IGF1R (insulin like growth factor 1 receptor; plus strand). Cytogenetic location: 15q26.3.
Variant type: single nucleotide variant.
Coding change: c.2403C>T on transcript NM_000875.5 (MANE Select); coding-DNA position 2403, C replaced by T.
Protein change: p.Ile801=; no amino-acid change (isoleucine 801 retained).
Molecular consequence: synonymous variant.
Genome position (GRCh38, 1-based): chr15:98,922,349, C>T. VCF-style: chr15-98922349-C-T. GRCh37 (hg19) VCF-style: chr15-99465578-C-T.
Other names: c.2403C>T, p.Ile801= (NM_001291858.2).
Identifiers: ClinVar variation 2672598 (VCV002672598.23), dbSNP rs2015526302, ClinGen allele CA492340113.

ClinVar aggregate classification (germline): Likely benign (1 of 4 stars; one submission).

Allele frequency attached by ClinVar (database versions not stated): gnomAD exomes below 0.00001; TOPMed below 0.00001.
gnomAD v4.1: 7 of 1,614,184 alleles (0.00043%); highest among the groups gnomAD compares: Admixed American, 0.0017%; no homozygotes.

Submission:

CeGaT Center for Human Genetics Tuebingen
Classification: Likely benign. Last evaluated: 2023-11-01. Review status: criteria provided, single submitter. Criteria: CeGaT Center For Human Genetics Tuebingen Variant Classification Criteria Version 2. Collection method: clinical testing. Allele origin: germline. Affected: yes. Observed: 1 variant allele.
Comment: IGF1R: PM2:Supporting, BP4, BP7